The following is an entry in ClinVar:

ClinVar aggregate classification (germline): Pathogenic (1 of 4 stars; one submission).

Conditions:
Trichorhinophalangeal dysplasia type I (TRPS1). Also called: TRICHORHINOPHALANGEAL SYNDROME, TYPE I; TRPS I. Identifiers: Orphanet 77258, MedGen C0432233, MONDO:0008596, OMIM 190350.

Submission:

Victorian Clinical Genetics Services, Murdoch Childrens Research Institute
Classification: Pathogenic for Trichorhinophalangeal dysplasia type I. Last evaluated: 2024-10-03. Review status: criteria provided, single submitter. Criteria: ACMG Guidelines, 2015. Collection method: clinical testing. Allele origin: germline. Affected: yes.
Comment: This variant is classified as Pathogenic. Evidence in support of pathogenic classification: Variant is predicted to result in a truncated protein (premature termination codon is NOT located at least 54 nucleotides upstream of the final exon-exon junction) with less than 1/3 of the protein sequence affected; Variant is absent from gnomAD (v2, v3 and v4); Other truncating variants comparable to the one identified in this case have very strong previous evidence for pathogenicity. Greater than ten downstream truncating variants have been reported as pathogenic or likely pathogenic (ClinVar). Additional information: This variant is heterozygous; This gene is associated with autosomal dominant disease; This variant has no previous evidence of pathogenicity; No published segregation evidence has been identified for this variant; No published functional evidence has been identified for this variant; Loss of function is a known mechanism of disease in this gene and is associated with trichorhinophalangeal syndrome, type I (MIM#190350). A dominant negative mechanism has been suggested for trichorhinophalangeal syndrome, type III (MIM#190351) (PMID: 30914275).

Literature cited by the submitters: PubMed 30914275.

NM_014112.5(TRPS1):c.3197C>A (p.Ser1066Ter)

Gene: TRPS1 (transcriptional repressor GATA binding 1; minus strand). Cytogenetic location: 8q23.3.
Variant type: single nucleotide variant.
Coding change: c.3197C>A on transcript NM_014112.5 (MANE Select); coding-DNA position 3197, C replaced by A.
Protein change: p.Ser1066Ter; replaces serine 1066 with a stop codon.
Molecular consequence: nonsense.
Genome position (GRCh38, 1-based): chr8:115,414,711, G>T on the plus strand (C>A on the coding strand, the complement: TRPS1 is on the minus strand). VCF-style: chr8-115414711-G-T. GRCh37 (hg19) VCF-style: chr8-116426939-G-T.
Other names: c.3170C>A, p.Ser1057Ter (NM_001282902.3); c.3176C>A, p.Ser1059Ter (NM_001282903.3); c.3158C>A, p.Ser1053Ter (NM_001330599.2); short protein forms S1053*, S1057*, S1059*, S1066*.
Identifiers: ClinVar variation 4532087 (VCV004532087.1).
Genomic context (GRCh38, chr8:115,414,711, plus strand): 5'-CTCATGTACTTTTCTATAGGACTGCCTCTCTCAGAACTTCCTTTCCCTTCAGATACGGAT[G>T]AACTATTTCCTGGATCTCCAGTACTTTCCTGAGGACTTTTTATCTGAATGTGCAAAGGTT-3'